The following is an entry in ClinVar:

NM_002539.3(ODC1):c.1229C>T (p.Ser410Leu)

Gene: ODC1 (ornithine decarboxylase 1; minus strand). Cytogenetic location: 2p25.1.
Variant type: single nucleotide variant.
Coding change: c.1229C>T on transcript NM_002539.3 (MANE Select); coding-DNA position 1229, C replaced by T.
Protein change: p.Ser410Leu; replaces serine 410 with leucine.
Molecular consequence: missense variant.
Genome position (GRCh38, 1-based): chr2:10,441,521, G>A on the plus strand (C>T on the coding strand, the complement: ODC1 is on the minus strand). VCF-style: chr2-10441521-G-A. GRCh37 (hg19) VCF-style: chr2-10581647-G-A.
Other names: c.842C>T, p.Ser281Leu (NM_001287188.2); c.1229C>T, p.Ser410Leu (NM_001287189.2, NM_001287190.2); short protein forms S281L, S410L.
Identifiers: ClinVar variation 1704663 (VCV001704663.2), dbSNP rs2528563485, ClinGen allele CA345813137.

ClinVar aggregate classification (germline): Uncertain significance (1 of 4 stars; one submission).

Allele frequency attached by ClinVar (database versions not stated): gnomAD exomes below 0.00001.
gnomAD v4.1: 3 of 1,613,920 alleles (0.00019%); highest among the groups gnomAD compares: Middle Eastern, 0.016%; no homozygotes.

Submission:

GeneDx
Classification: Uncertain significance. Last evaluated: 2022-03-12. Review status: criteria provided, single submitter. Criteria: GeneDx Variant Classification Process June 2021. Collection method: clinical testing. Allele origin: germline. Affected: yes.
Comment: Not observed at significant frequency in large population cohorts (gnomAD); In silico analysis supports that this missense variant has a deleterious effect on protein structure/function; Has not been previously published as pathogenic or benign to our knowledge